The following is an entry in ClinVar:

NM_001042492.3(NF1):c.359T>C (p.Phe120Ser)

Gene: NF1 (neurofibromin 1; plus strand). Cytogenetic location: 17q11.2.
Variant type: single nucleotide variant.
Coding change: c.359T>C on transcript NM_001042492.3 (MANE Select); coding-DNA position 359, T replaced by C.
Protein change: p.Phe120Ser; replaces phenylalanine 120 with serine.
Molecular consequence: missense variant.
Genome position (GRCh38, 1-based): chr17:31,163,256, T>C. VCF-style: chr17-31163256-T-C. GRCh37 (hg19) VCF-style: chr17-29490274-T-C.
Other names: c.359T>C, p.Phe120Ser (NM_000267.4, NM_001128147.3); short protein forms F120S.
Identifiers: ClinVar variation 1999111 (VCV001999111.4), dbSNP rs2544700673, ClinGen allele CA398981783.

ClinVar aggregate classification (germline): Uncertain significance (1 of 4 stars; one submission).

Conditions:
Neurofibromatosis, type 1 (NF1). Also called: Neurofibromatosis, type I; Peripheral type neurofibromatosis; NEUROFIBROMATOSIS, TYPE I, SOMATIC; VON RECKLINGHAUSEN DISEASE. Identifiers: Orphanet 636, MedGen C0027831, MONDO:0018975, OMIM 162200. Disease mechanism: loss of function.

Submission:

Labcorp Genetics (formerly Invitae), Labcorp
Classification: Uncertain significance for Neurofibromatosis, type 1. Last evaluated: 2022-05-26. Review status: criteria provided, single submitter. Criteria: Invitae Variant Classification Sherloc (09022015). Collection method: clinical testing. Allele origin: germline.
Comment: In summary, the available evidence is currently insufficient to determine the role of this variant in disease. Therefore, it has been classified as a Variant of Uncertain Significance. Advanced modeling of protein sequence and biophysical properties (such as structural, functional, and spatial information, amino acid conservation, physicochemical variation, residue mobility, and thermodynamic stability) performed at Invitae indicates that this missense variant is expected to disrupt NF1 protein function. This variant has not been reported in the literature in individuals affected with NF1-related conditions. This variant is not present in population databases (gnomAD no frequency). This sequence change replaces phenylalanine, which is neutral and non-polar, with serine, which is neutral and polar, at codon 120 of the NF1 protein (p.Phe120Ser).